The following is an entry in ClinVar:

ClinVar aggregate classification (germline): Uncertain significance (1 of 4 stars; one submission).

Submission:

Labcorp Genetics (formerly Invitae), Labcorp
Classification: Uncertain significance. Last evaluated: 2020-12-18. Review status: criteria provided, single submitter. Criteria: Invitae Variant Classification Sherloc (09022015). Collection method: clinical testing. Allele origin: germline.
Comment: This variant is not present in population databases (ExAC no frequency). This sequence change replaces leucine with valine at codon 255 of the ATR protein (p.Leu255Val). The leucine residue is moderately conserved and there is a small physicochemical difference between leucine and valine. This variant has not been reported in the literature in individuals with ATR-related conditions. Algorithms developed to predict the effect of missense changes on protein structure and function (SIFT, PolyPhen-2, Align-GVGD) all suggest that this variant is likely to be tolerated, but these predictions have not been confirmed by published functional studies and their clinical significance is uncertain. In summary, the available evidence is currently insufficient to determine the role of this variant in disease. Therefore, it has been classified as a Variant of Uncertain Significance.

NM_001184.4(ATR):c.763C>G (p.Leu255Val)

Gene: ATR (ATR checkpoint kinase; minus strand). Cytogenetic location: 3q23.
Variant type: single nucleotide variant.
Coding change: c.763C>G on transcript NM_001184.4 (MANE Select); coding-DNA position 763, C replaced by G.
Protein change: p.Leu255Val; replaces leucine 255 with valine.
Molecular consequence: missense variant.
Genome position (GRCh38, 1-based): chr3:142,562,639, G>C on the plus strand (C>G on the coding strand, the complement: ATR is on the minus strand). VCF-style: chr3-142562639-G-C. GRCh37 (hg19) VCF-style: chr3-142281481-G-C.
Other names: c.763C>G, p.Leu255Val (NM_001354579.2); short protein forms L255V.
Identifiers: ClinVar variation 1509336 (VCV001509336.8), dbSNP rs2034924370, ClinGen allele CA354825635.
Genomic context (GRCh38, chr3:142,562,639, plus strand): 5'-CCAAAAATGAGCTGAAAAAAGTGCTAGCTGGTTGTGCTGGTAGTCCTCCAAGCTGAAAAA[G>C]TTCTGTTAAAAAGCTAATTGCTAGGGATTTAATTTTTGGACTACCATACTCTAGCAGAAC-3'
Protein context (NP_001175.2, residues 245-265): KSLAISFLTE[Leu255Val]FQLGGLPAQP